The following is an entry in ClinVar:

NM_001111.5(ADAR):c.17G>C (p.Gly6Ala)

Gene: ADAR (adenosine deaminase RNA specific; minus strand). Cytogenetic location: 1q21.3.
Variant type: single nucleotide variant.
Coding change: c.17G>C on transcript NM_001111.5 (MANE Select); coding-DNA position 17, G replaced by C.
Protein change: p.Gly6Ala; replaces glycine 6 with alanine.
Molecular consequence: missense variant. On other transcripts: 5 prime UTR variant (6).
Genome position (GRCh38, 1-based): chr1:154,602,625, C>G on the plus strand (G>C on the coding strand, the complement: ADAR is on the minus strand). VCF-style: chr1-154602625-C-G. GRCh37 (hg19) VCF-style: chr1-154575101-C-G.
Other names: c.-869G>C (NM_001025107.3, NM_001193495.2, NM_001365048.1); c.44G>C, p.Gly15Ala (NM_001365045.1); c.-733G>C (NM_001365046.1, NM_001365047.1, NM_001365049.1); c.17G>C, p.Gly6Ala (NM_015840.4, NM_015841.4); short protein forms G6A, G15A.
Identifiers: ClinVar variation 2941840 (VCV002941840.3), dbSNP rs2526673444, ClinGen allele CA342607815.

ClinVar aggregate classification (germline): Uncertain significance (1 of 4 stars; one submission).

Conditions:
Symmetrical dyschromatosis of extremities (DSH). Also called: RETICULATE ACROPIGMENTATION OF DOHI; SYMMETRIC DYSCHROMATOSIS OF THE EXTREMITIES; Dyschromatosis symmetrica hereditaria; DYSCHROMATOSIS SYMMETRICA HEREDITARIA 1. Identifiers: Orphanet 41, MedGen C0406775, MONDO:0007483, OMIM 127400.
Aicardi-Goutieres syndrome 6 (AGS6). Identifiers: Orphanet 51, MedGen C3539013, MONDO:0014007, OMIM 615010.

Allele frequency attached by ClinVar (database versions not stated): gnomAD exomes below 0.00001.
gnomAD v4.1: 2 of 1,613,820 alleles (0.00012%); highest among the groups gnomAD compares: Middle Eastern, 0.017%; no homozygotes.

Submission:

Labcorp Genetics (formerly Invitae), Labcorp
Classification: Uncertain significance for Aicardi-Goutieres syndrome 6; Symmetrical dyschromatosis of extremities. Last evaluated: 2022-12-15. Review status: criteria provided, single submitter. Criteria: Invitae Variant Classification Sherloc (09022015). Collection method: clinical testing. Allele origin: germline.
Comment: This variant has not been reported in the literature in individuals affected with ADAR-related conditions. In summary, the available evidence is currently insufficient to determine the role of this variant in disease. Therefore, it has been classified as a Variant of Uncertain Significance. Algorithms developed to predict the effect of missense changes on protein structure and function are either unavailable or do not agree on the potential impact of this missense change (SIFT: "Deleterious"; PolyPhen-2: "Possibly Damaging"; Align-GVGD: "Class C0"). This variant is not present in population databases (gnomAD no frequency). This sequence change replaces glycine, which is neutral and non-polar, with alanine, which is neutral and non-polar, at codon 6 of the ADAR protein (p.Gly6Ala).